The following is an entry in ClinVar:

ClinVar aggregate classification (germline): Uncertain significance. Review status: criteria provided, multiple submitters, no conflicts (2 of 4 stars). 2 submissions from 2 submitters: Uncertain significance (2). Last evaluated 2022-08-16.

Allele frequency attached by ClinVar (database versions not stated): gnomAD 0.00001 and 0.00002; TOPMed 0.00002; ExAC 0.00003; gnomAD exomes 0.00003 and 0.00004.
gnomAD v4.1: 45 of 1,613,868 alleles (0.0028%); highest among the groups gnomAD compares: Non-Finnish European, 0.0035%; no homozygotes.

Submissions (2):

Mayo Clinic Laboratories, Mayo Clinic
Classification: Uncertain significance. Last evaluated: 2022-08-16. Review status: criteria provided, single submitter. Criteria: ACMG Guidelines, 2015. Collection method: clinical testing. Allele origin: germline. Observed: 1 variant allele.

Labcorp Genetics (formerly Invitae), Labcorp
Classification: Uncertain significance. Last evaluated: 2022-02-20. Review status: criteria provided, single submitter. Criteria: Invitae Variant Classification Sherloc (09022015). Collection method: clinical testing. Allele origin: germline.
Comment: This sequence change replaces proline, which is neutral and non-polar, with leucine, which is neutral and non-polar, at codon 391 of the SKIV2L protein (p.Pro391Leu). This variant is present in population databases (rs527940427, gnomAD 0.007%). This variant has not been reported in the literature in individuals affected with SKIV2L-related conditions. Algorithms developed to predict the effect of missense changes on protein structure and function are either unavailable or do not agree on the potential impact of this missense change (SIFT: "Deleterious"; PolyPhen-2: "Possibly Damaging"; Align-GVGD: "Class C0"). In summary, the available evidence is currently insufficient to determine the role of this variant in disease. Therefore, it has been classified as a Variant of Uncertain Significance.

NM_006929.5(SKIC2):c.1172C>T (p.Pro391Leu)

Genes: SKIC2 (SKI2 subunit of superkiller complex; plus strand), LOC126859653 (CDK7 strongly-dependent group 2 enhancer GRCh37_chr6:31929542-31930741; plus strand). Cytogenetic location: 6p21.33.
Variant type: single nucleotide variant.
Coding change: c.1172C>T on transcript NM_006929.5 (MANE Select); coding-DNA position 1172, C replaced by T.
Protein change: p.Pro391Leu; replaces proline 391 with leucine.
Molecular consequence: missense variant.
Genome position (GRCh38, 1-based): chr6:31,962,546, C>T. VCF-style: chr6-31962546-C-T. GRCh37 (hg19) VCF-style: chr6-31930323-C-T.
Other names: p.Pro391Leu; c.1172C>T (NM_006929.4); short protein forms P391L.
Identifiers: ClinVar variation 1360671 (VCV001360671.8), dbSNP rs527940427, ClinGen allele CA3729372.